The following is an entry in ClinVar:

NM_000330.4(RS1):c.375_378del (p.Ile125_Asp126insTer)

Genes: CDKL5 (cyclin dependent kinase like 5; plus strand), RS1 (retinoschisin 1; minus strand). Cytogenetic location: Xp22.13.
Variant type: Microsatellite.
Coding change: c.375_378del on transcript NM_000330.4 (MANE Select); coding-DNA positions 375 to 378, 4 bases deleted (AGAT; older notation c.375_378delAGAT).
Protein change: p.Ile125_Asp126insTer.
Molecular consequence: frameshift variant. On other transcripts: nonsense (1), intron variant (2).
Genome position (GRCh38, 1-based): chrX:18,644,574-18,644,577, ATCT deleted on the plus strand (AGAT on the coding strand, the reverse complement: RS1 is on the minus strand); deleting any 4 consecutive bases within chrX:18,644,574-18,644,581 gives the same sequence; the c. name uses the placement nearest the transcript's 3' end. VCF-style (leftmost placement, unchanged base first): chrX-18644573-GATCT-G. GRCh37 (hg19) VCF-style: chrX-18662693-GATCT-G.
Other names: c.375_378delAGAT (NM_000330.3); c.2714-1429_2714-1426del (NM_003159.3, NM_001037343.2).
Identifiers: ClinVar variation 98948 (VCV000098948.4), dbSNP rs61752148, ClinGen allele CA226706.

ClinVar aggregate classification (germline): Pathogenic. Review status: criteria provided, single submitter (1 of 4 stars). 2 submissions from 2 submitters: Pathogenic (1). 1 of the submissions does not count toward it. Last evaluated 2017-03-07.

Submissions (2):

GeneDx
Classification: Pathogenic. Last evaluated: 2017-03-07. Review status: criteria provided, single submitter. Criteria: GeneDx Variant Classification (06012015). Collection method: clinical testing. Allele origin: germline. Affected: yes.
Comment: The c.375_378delAGAT pathogenic variant in the RS1 gene has been reported previously in association with X-linked juvenile retinoschisis (Retinoschisis Consortium 1998; Hiriyanna et al., 1999; Tantri et al., 2003). It changes codon Aspartic acid 126 to a premature Stop codon, denoted p.Asp126Ter. This pathogenic variant is predicted to cause loss of normal protein function either through protein truncation or nonsense-mediated mRNA decay.

Retina International
No classification provided. Review status: no classification provided. Collection method: not provided. Allele origin: unknown. Not counted in ClinVar's aggregate classification.